The following is an entry in ClinVar:

ClinVar aggregate classification (germline): Uncertain significance. Review status: criteria provided, multiple submitters, no conflicts (2 of 4 stars). 5 submissions from 4 submitters: Uncertain significance (4). 1 of the submissions does not count toward it. Last evaluated 2022-04-20.

Conditions:
Maturity-onset diabetes of the young (MODY). Also called: Maturity onset diabetes mellitus in young. Identifiers: Orphanet 552, MedGen C0342276, MONDO:0018911, HP:0004904.
Leucine-induced hypoglycemia (LIH). Also called: LEUCINE-SENSITIVE HYPOGLYCEMIA OF INFANCY. Identifiers: MedGen C0271714, MONDO:0009415, OMIM 240800.
Diabetes mellitus, permanent neonatal 3. Also called: ABCC8-Related Permanent Neonatal Diabetes Mellitus. Identifiers: MedGen C5394303, MONDO:0030088, OMIM 618857.
Diabetes mellitus, transient neonatal, 2 (TNDM2). Identifiers: Orphanet 99886, MedGen C1835887, MONDO:0012480, OMIM 610374. Disease mechanism: loss of function.
Hyperinsulinemic hypoglycemia, familial, 1 (HHF1). Also called: HYPERINSULINISM, FAMILIAL, WITH PANCREATIC NESIDIOBLASTOSIS; HYPOGLYCEMIA, HYPERINSULINEMIC, OF INFANCY; NESIDIOBLASTOSIS OF PANCREAS; Persistent hyperinsulinemic hypoglycemia of infancy; Persistent Hyperinsulinemia Hypoglycemia of Infancy. Identifiers: Orphanet 276575, Orphanet 276598, MedGen C2931832, MONDO:0009734, OMIM 256450.
Type 2 diabetes mellitus. Also called: Type II diabetes mellitus. Identifiers: MedGen C0011860, MeSH D003924, MONDO:0005148, OMIM 125853, HP:0005978.
Transitory neonatal diabetes mellitus. Also called: Transient neonatal diabetes mellitus. Identifiers: MedGen C0342273, MONDO:0020525, HP:0008255.
Hereditary hyperinsulinism.

Allele frequency attached by ClinVar (database versions not stated): gnomAD exomes 0.00001 and 0.00002; gnomAD 0.00002; TOPMed 0.00003.
gnomAD v4.1: 38 of 1,614,062 alleles (0.0024%); highest among the groups gnomAD compares: Admixed American, 0.0083%; no homozygotes.

Submissions (5):

Fulgent Genetics
Classification: Uncertain significance for Type 2 diabetes mellitus; Leucine-induced hypoglycemia; Hyperinsulinemic hypoglycemia, familial, 1; Diabetes mellitus, transient neonatal, 2; Diabetes mellitus, permanent neonatal 3. Last evaluated: 2022-04-20. Review status: criteria provided, single submitter. Criteria: ACMG Guidelines, 2015. Collection method: clinical testing. Allele origin: unknown.

GeneDx
Classification: Uncertain significance. Last evaluated: 2016-08-17. Review status: criteria provided, single submitter. Criteria: GeneDx Variant Classification (06012015). Collection method: clinical testing. Allele origin: germline. Affected: yes.
Comment: The R1098H variant in the ABCC8 gene has not been reported previously as a pathogenic variant, nor as a benign variant, to our knowledge. The R1098H variant was not observed in approximately 6,500 individuals of European and African American ancestry in the NHLBI Exome Sequencing Project, indicating it is not a common benign variant in these populations. The R1098H variant is a conservative amino acid substitution, which occurs at a position that is conserved in mammals. In silico analysis is inconsistent in its predictions as to whether or not the variant is damaging to the protein structure/function. We interpret R1098H as a variant of uncertain significance.

Clinical Genomics, Uppaluri K&H Personalized Medicine Clinic
Classification: Uncertain significance for Maturity-onset diabetes of the young. Review status: criteria provided, single submitter. Criteria: K & H Uppaluri Personalized Medicine Clinic Variant Classification & Assertion Criteria_Updated V.1. Collection method: research. Allele origin: somatic. Inheritance: Somatic mutation.
Comment: Mutations in ABCC8 gene are associated with both neonatal diabetes mellitus as well as MODY. Patients with this mutation may have a better response to sulfonylureas. However, no sufficient evidence is found to ascertain the role of this particular variant (rs1057523131) in MODY yet.

Clinical Genomics, Uppaluri K&H Personalized Medicine Clinic
Classification: Uncertain significance for Transitory neonatal diabetes mellitus. Review status: criteria provided, single submitter. Criteria: K & H Uppaluri Personalized Medicine Clinic Variant Classification & Assertion Criteria_Updated V.1. Collection method: research. Allele origin: somatic. Inheritance: Somatic mutation.
Comment: Mutations in ABCC8 gene are associated with both neonatal diabetes mellitus as well as MODY. Patients with this mutation may have a better response to sulfonylureas. However, no sufficient evidence is found to ascertain the role of this particular variant (rs1057523131) in neonatal diabetes yet.

Natera, Inc.
Classification: Uncertain significance for Hereditary hyperinsulinism. Last evaluated: 2019-10-28. Review status: no assertion criteria provided. Collection method: clinical testing. Allele origin: germline. Not counted in ClinVar's aggregate classification.

Literature cited by the submitters: PubMed 16885549 (cited by Clinical Genomics, Uppaluri K&H Personalized Medicine Clinic); PubMed 21989597 (cited by Clinical Genomics, Uppaluri K&H Personalized Medicine Clinic); PubMed 27538677 (cited by Clinical Genomics, Uppaluri K&H Personalized Medicine Clinic); PubMed 18981553 (cited by Clinical Genomics, Uppaluri K&H Personalized Medicine Clinic); PubMed 32027066 (cited by Clinical Genomics, Uppaluri K&H Personalized Medicine Clinic); PubMed 16613899 (cited by Clinical Genomics, Uppaluri K&H Personalized Medicine Clinic); PubMed 18025408 (cited by Clinical Genomics, Uppaluri K&H Personalized Medicine Clinic); PubMed 32792356 (cited by Clinical Genomics, Uppaluri K&H Personalized Medicine Clinic).

NM_000352.6(ABCC8):c.3293G>A (p.Arg1098His)

Gene: ABCC8 (ATP binding cassette subfamily C member 8; minus strand). Cytogenetic location: 11p15.1.
Variant type: single nucleotide variant.
Coding change: c.3293G>A on transcript NM_000352.6 (MANE Select); coding-DNA position 3293, G replaced by A.
Protein change: p.Arg1098His; replaces arginine 1098 with histidine.
Molecular consequence: missense variant. On other transcripts: non-coding transcript variant (1).
Genome position (GRCh38, 1-based): chr11:17,406,658, C>T on the plus strand (G>A on the coding strand, the complement: ABCC8 is on the minus strand). VCF-style: chr11-17406658-C-T. GRCh37 (hg19) VCF-style: chr11-17428205-C-T.
Other names: c.3296G>A, p.Arg1099His (NM_001287174.3); c.3359G>A, p.Arg1120His (NM_001351295.2); c.3293G>A, p.Arg1098His (NM_001351296.2); c.3290G>A, p.Arg1097His (NM_001351297.2); short protein forms R1098H, R1099H, R1097H, R1120H.
Identifiers: ClinVar variation 388502 (VCV000388502.5), dbSNP rs1057523131, ClinGen allele CA16605873.